The following is an entry in ClinVar:

ClinVar aggregate classification (germline): Uncertain significance (1 of 4 stars; one submission).

Allele frequency attached by ClinVar (database versions not stated): gnomAD exomes below 0.00001; gnomAD 0.00001; TOPMed 0.00001.
gnomAD v4.1: 6 of 1,613,944 alleles (0.00037%); highest among the groups gnomAD compares: South Asian, 0.0022%; no homozygotes.

Submission:

Labcorp Genetics (formerly Invitae), Labcorp
Classification: Uncertain significance. Last evaluated: 2023-07-23. Review status: criteria provided, single submitter. Criteria: Invitae Variant Classification Sherloc (09022015). Collection method: clinical testing. Allele origin: germline.
Comment: This sequence change replaces glutamic acid, which is acidic and polar, with valine, which is neutral and non-polar, at codon 1067 of the SCAF4 protein (p.Glu1067Val). This variant is not present in population databases (gnomAD no frequency). This variant has not been reported in the literature in individuals affected with SCAF4-related conditions. ClinVar contains an entry for this variant (Variation ID: 1446058). Experimental studies and prediction algorithms are not available or were not evaluated, and the functional significance of this variant is currently unknown. In summary, the available evidence is currently insufficient to determine the role of this variant in disease. Therefore, it has been classified as a Variant of Uncertain Significance.

NM_020706.2(SCAF4):c.3200A>T (p.Glu1067Val)

Gene: SCAF4 (SR-related CTD associated factor 4; minus strand). Cytogenetic location: 21q22.11.
Variant type: single nucleotide variant.
Coding change: c.3200A>T on transcript NM_020706.2 (MANE Select); coding-DNA position 3200, A replaced by T.
Protein change: p.Glu1067Val; replaces glutamic acid 1067 with valine.
Molecular consequence: missense variant.
Genome position (GRCh38, 1-based): chr21:31,671,643, T>A on the plus strand (A>T on the coding strand, the complement: SCAF4 is on the minus strand). VCF-style: chr21-31671643-T-A. GRCh37 (hg19) VCF-style: chr21-33043956-T-A.
Other names: c.3155A>T, p.Glu1052Val (NM_001145444.1); c.3134A>T, p.Glu1045Val (NM_001145445.1); short protein forms E1052V, E1067V, E1045V.
Identifiers: ClinVar variation 1446058 (VCV001446058.8), dbSNP rs1287796012, ClinGen allele CA410039001.
Genomic context (GRCh38, chr21:31,671,643, plus strand): 5'-GCCCTGTCTGTCACCTCAGGCTTTTCCTTTCCTCGGGCTTCTTCCTTCTCTCTACGAGAC[T>A]CTCTATCTCTAGAATCTCTCTCTCTGTCTCGATGCCCACTAGAGCGTCTATTTCTCTCTT-3'
Protein context (NP_065757.1, residues 1057-1077): RDRERDSRDR[Glu1067Val]SRREKEEARG